The following is an entry in ClinVar:

ClinVar aggregate classification (germline): Uncertain significance. Review status: criteria provided, multiple submitters, no conflicts (2 of 4 stars). 2 submissions from 2 submitters: Uncertain significance (2). Last evaluated 2026-02-11.

Conditions:
PKD1-related disorder. Also called: PKD1-related condition.

gnomAD v4.1: 19 of 1,612,642 alleles (0.0012%); highest among the groups gnomAD compares: East Asian, 0.0045%; no homozygotes.

Submissions (2):

PreventionGenetics, part of Exact Sciences
Classification: Uncertain significance for PKD1-related condition. Last evaluated: 2026-02-11. Review status: criteria provided, single submitter. Criteria: ACMG Guidelines, 2015. Collection method: clinical testing. Allele origin: germline.
Comment: The PKD1 c.10379C>G variant is predicted to result in the amino acid substitution p.Ser3460Trp. To our knowledge, this variant has not been reported in the literature. This variant is reported in 0.027% of alleles in individuals of East Asian descent in gnomAD. At this time, the clinical significance of this variant is uncertain due to the absence of conclusive functional and genetic evidence.

GeneDx
Classification: Uncertain significance. Last evaluated: 2024-03-11. Review status: criteria provided, single submitter. Criteria: GeneDx Variant Classification Process June 2021. Collection method: clinical testing. Allele origin: germline. Affected: yes.
Comment: In silico analysis supports that this missense variant does not alter protein structure/function; Has not been previously published as pathogenic or benign to our knowledge

NM_001009944.3(PKD1):c.10379C>G (p.Ser3460Trp)

Gene: PKD1 (polycystin 1, transient receptor potential channel interacting; minus strand). Cytogenetic location: 16p13.3.
Variant type: single nucleotide variant.
Coding change: c.10379C>G on transcript NM_001009944.3 (MANE Select); coding-DNA position 10379, C replaced by G.
Protein change: p.Ser3460Trp; replaces serine 3460 with tryptophan.
Molecular consequence: missense variant.
Genome position (GRCh38, 1-based): chr16:2,097,345, G>C on the plus strand (C>G on the coding strand, the complement: PKD1 is on the minus strand). VCF-style: chr16-2097345-G-C. GRCh37 (hg19) VCF-style: chr16-2147346-G-C.
Other names: c.10376C>G, p.Ser3459Trp (NM_000296.4); short protein forms S3459W, S3460W.
Identifiers: ClinVar variation 3370893 (VCV003370893.2).